The following is an entry in ClinVar:

NM_001288705.3(CSF1R):c.1653G>A (p.Lys551=)

Gene: CSF1R (colony stimulating factor 1 receptor; minus strand). Cytogenetic location: 5q32.
Variant type: single nucleotide variant.
Coding change: c.1653G>A on transcript NM_001288705.3 (MANE Select); coding-DNA position 1653, G replaced by A.
Protein change: p.Lys551=; no amino-acid change (lysine 551 retained).
Molecular consequence: synonymous variant. On other transcripts: non-coding transcript variant (2).
Genome position (GRCh38, 1-based): chr5:150,061,823, C>T on the plus strand (G>A on the coding strand, the complement: CSF1R is on the minus strand). VCF-style: chr5-150061823-C-T. GRCh37 (hg19) VCF-style: chr5-149441386-C-T.
Other names: c.1653G>A, p.Lys551= (NM_001349736.2, NM_001375320.1, NM_005211.4); c.1209G>A, p.Lys403= (NM_001375321.1).
Identifiers: ClinVar variation 1598401 (VCV001598401.34), dbSNP rs201104874, ClinGen allele CA3506744.
Genomic context (GRCh38, chr5:150,061,823, plus strand): 5'-GTAAGGCAGCTGCGTGGGGTCGATGAAAGTATAACTGTTGCCCTCATAGCTCTCGATGAT[C>T]TTCCAGCGGACCTGGTACTTGGGCTTCTGCAGAAGAGGAAGGGAGCACGTGGCAGTCGGG-3'
Protein context (NP_001275634.1, residues 541-561): KQKPKYQVRW[Lys551=]IIESYEGNSY

ClinVar aggregate classification (germline): Likely benign. Review status: criteria provided, multiple submitters, no conflicts (2 of 4 stars). 3 submissions from 3 submitters: Likely benign (3). Last evaluated 2024-10-01.

Allele frequency attached by ClinVar (database versions not stated): ExAC 0.00002; gnomAD exomes 0.00004 and 0.00008; gnomAD 0.00007; ESP Exome Variant Server 0.00008; TOPMed 0.00008.
gnomAD v4.1: 133 of 1,614,092 alleles (0.0082%); highest among the groups gnomAD compares: Non-Finnish European, 0.0097%; no homozygotes.

Submissions (3):

CeGaT Center for Human Genetics Tuebingen
Classification: Likely benign. Last evaluated: 2024-10-01. Review status: criteria provided, single submitter. Criteria: CeGaT Center For Human Genetics Tuebingen Variant Classification Criteria Version 2. Collection method: clinical testing. Allele origin: germline. Affected: yes. Observed: 4 variant alleles.
Comment: CSF1R: BP4, BP7

Labcorp Genetics (formerly Invitae), Labcorp
Classification: Likely benign. Last evaluated: 2024-09-08. Review status: criteria provided, single submitter. Criteria: Invitae Variant Classification Sherloc (09022015). Collection method: clinical testing. Allele origin: germline.

Blueprint Genetics
Classification: Likely benign. Last evaluated: 2023-09-26. Review status: criteria provided, single submitter. Criteria: ACMG Guidelines, 2015. Collection method: clinical testing. Allele origin: germline.